The following is an entry in ClinVar:

ClinVar aggregate classification (germline): Uncertain significance (1 of 4 stars; one submission).

Conditions:
Immunodeficiency. Identifiers: MedGen C0021051, MONDO:0021094, HP:0002721.

Allele frequency attached by ClinVar (database versions not stated): gnomAD exomes 0.00001 and 0.00006; gnomAD 0.00002 and 0.00004; TOPMed 0.00006; ExAC 0.00009.
gnomAD v4.1: 53 of 1,614,074 alleles (0.0033%); highest among the groups gnomAD compares: East Asian, 0.036%; 1 homozygote.

Submission:

Labcorp Genetics (formerly Invitae), Labcorp
Classification: Uncertain significance for Immunodeficiency. Last evaluated: 2026-01-08. Review status: criteria provided, single submitter. Criteria: Invitae Variant Classification Sherloc (09022015). Collection method: clinical testing. Allele origin: germline.
Comment: This sequence change replaces leucine, which is neutral and non-polar, with phenylalanine, which is neutral and non-polar, at codon 1414 of the NFAT5 protein (p.Leu1414Phe). This variant is present in population databases (rs376433264, gnomAD 0.04%), and has an allele count higher than expected for a pathogenic variant. This variant has not been reported in the literature in individuals affected with NFAT5-related conditions. ClinVar contains an entry for this variant (Variation ID: 643864). An algorithm developed to predict the effect of missense changes on protein structure and function (PolyPhen-2) suggests that this variant is likely to be disruptive. In summary, the available evidence is currently insufficient to determine the role of this variant in disease. Therefore, it has been classified as a Variant of Uncertain Significance.

NM_138713.4(NFAT5):c.4522C>T (p.Leu1508Phe)

Gene: NFAT5 (nuclear factor of activated T cells 5; plus strand). Cytogenetic location: 16q22.1.
Variant type: single nucleotide variant.
Coding change: c.4522C>T on transcript NM_138713.4 (MANE Select); coding-DNA position 4522, C replaced by T.
Protein change: p.Leu1508Phe; replaces leucine 1508 with phenylalanine.
Molecular consequence: missense variant.
Genome position (GRCh38, 1-based): chr16:69,695,243, C>T. VCF-style: chr16-69695243-C-T. GRCh37 (hg19) VCF-style: chr16-69729146-C-T.
Other names: c.4522C>T, p.Leu1508Phe (LRG_1332t1); c.4519C>T, p.Leu1507Phe (NM_001113178.3); c.3847C>T, p.Leu1283Phe (NM_001367709.1); c.4468C>T, p.Leu1490Phe (NM_006599.4); c.4240C>T, p.Leu1414Phe (NM_138714.4, NM_173214.3, NM_173215.3); short protein forms L1490F, L1414F, L1507F, L1283F, L1508F.
Identifiers: ClinVar variation 643864 (VCV000643864.8), dbSNP rs376433264, ClinGen allele CA8136078.